The following is an entry in ClinVar:

ClinVar aggregate classification (germline): Uncertain significance (1 of 4 stars; one submission).

Conditions:
Neurodevelopmental disorder with or without autism or seizures (NEDAUS). Identifiers: MedGen C5543225, MONDO:0030994, OMIM 619239.

Submission:

3billion
Classification: Uncertain significance for Neurodevelopmental disorder with or without autism or seizures. Last evaluated: 2024-08-22. Review status: criteria provided, single submitter. Criteria: ACMG Guidelines, 2015. Collection method: clinical testing. Allele origin: germline. Affected: yes.
Comment: The variant is not observed in the gnomAD v4.0.0 dataset. Predicted Consequence/Location: Missense variant In silico tool predictions suggest damaging effect of the variant on gene or gene product [REVEL: 0.67 (>=0.6, sensitivity 0.68 and specificity 0.92); 3Cnet: 0.31 (>=0.6, sensitivity 0.72 and precision 0.9)].In silico tools predict the variant to alter splicing and produce an abnormal transcript [SpliceAI: 0.93 (spliceogenicity >=0.2, non-spliceogenicity <0.1)]. Therefore, this variant is classified as VUS according to the recommendation of ACMG/AMP guideline.

NM_003590.5(CUL3):c.539G>C (p.Arg180Thr)

Gene: CUL3 (cullin 3; minus strand). Cytogenetic location: 2q36.2.
Variant type: single nucleotide variant.
Coding change: c.539G>C on transcript NM_003590.5 (MANE Select); coding-DNA position 539, G replaced by C.
Protein change: p.Arg180Thr; replaces arginine 180 with threonine.
Molecular consequence: missense variant.
Genome position (GRCh38, 1-based): chr2:224,514,612, C>G on the plus strand (G>C on the coding strand, the complement: CUL3 is on the minus strand). VCF-style: chr2-224514612-C-G. GRCh37 (hg19) VCF-style: chr2-225379329-C-G.
Other names: c.341G>C, p.Arg114Thr (NM_001257197.2); c.557G>C, p.Arg186Thr (NM_001257198.2); short protein forms R114T, R180T, R186T.
Identifiers: ClinVar variation 4292798 (VCV004292798.1).
Genomic context (GRCh38, chr2:224,514,612, plus strand): 5'-ATCGTTCTCAAGATATAATCACTAAAACCAAAACCACAAGAGTAAAGAGAGAAATTTTAC[C>G]TGTCTACGACTTCTCCTTTCCGCTCTCTTGCAATCATATCCAATAGAGTTTGCCGTAGAT-3'
Protein context (NP_003581.1, residues 170-190): ARERKGEVVD[Arg180Thr]GAIRNACQML